The following is an entry in ClinVar:

NM_003978.5(PSTPIP1):c.825C>T (p.Gly275=)

Gene: PSTPIP1 (proline-serine-threonine phosphatase interacting protein 1; plus strand). Cytogenetic location: 15q24.3.
Variant type: single nucleotide variant.
Coding change: c.825C>T on transcript NM_003978.5 (MANE Select); coding-DNA position 825, C replaced by T.
Protein change: p.Gly275=; no amino-acid change (glycine 275 retained).
Molecular consequence: synonymous variant.
Genome position (GRCh38, 1-based): chr15:77,032,381, C>T. VCF-style: chr15-77032381-C-T. GRCh37 (hg19) VCF-style: chr15-77324722-C-T.
Other names: c.825C>T, p.Gly275= (NM_001321135.2); c.798C>T, p.Gly266= (NM_001321136.2); c.1020C>T, p.Gly340= (NM_001321137.1).
Identifiers: ClinVar variation 863022 (VCV000863022.9), dbSNP rs1596127270, ClinGen allele CA491335962.

ClinVar aggregate classification (germline): Uncertain significance (1 of 4 stars; one submission).

Conditions:
Pyogenic arthritis-pyoderma gangrenosum-acne syndrome (PAPA). Also called: FAMILIAL RECURRENT ARTHRITIS; PAPA SYNDROME. Identifiers: Orphanet 69126, MedGen C1858361, MONDO:0011462, OMIM 604416.

Submission:

Labcorp Genetics (formerly Invitae), Labcorp
Classification: Uncertain significance for Pyogenic arthritis-pyoderma gangrenosum-acne syndrome. Last evaluated: 2019-02-05. Review status: criteria provided, single submitter. Criteria: Invitae Variant Classification Sherloc (09022015). Collection method: clinical testing. Allele origin: germline.
Comment: In summary, the available evidence is currently insufficient to determine the role of this variant in disease. Therefore, it has been classified as a Variant of Uncertain Significance. Algorithms developed to predict the effect of sequence changes on RNA splicing suggest that this variant may create or strengthen a splice site, but this prediction has not been confirmed by published transcriptional studies. This variant has not been reported in the literature in individuals with PSTPIP1-related conditions. This variant is not present in population databases (ExAC no frequency). This sequence change affects codon 275 of the PSTPIP1 mRNA. It is a 'silent' change, meaning that it does not change the encoded amino acid sequence of the PSTPIP1 protein.